The following is an entry in ClinVar:

ClinVar aggregate classification (germline): Pathogenic (1 of 4 stars; one submission).

Conditions:
Vici syndrome (VICIS). Identifiers: Orphanet 1493, MedGen C1855772, MONDO:0009452, OMIM 242840.

Submission:

Labcorp Genetics (formerly Invitae), Labcorp
Classification: Pathogenic for Vici syndrome. Last evaluated: 2025-02-25. Review status: criteria provided, single submitter. Criteria: Invitae Variant Classification Sherloc (09022015). Collection method: clinical testing. Allele origin: germline.
Comment: This sequence change creates a premature translational stop signal (p.Leu1045Tyrfs*11) in the EPG5 gene. It is expected to result in an absent or disrupted protein product. Loss-of-function variants in EPG5 are known to be pathogenic (PMID: 23222957, 23674064). This variant is not present in population databases (gnomAD no frequency). This variant has not been reported in the literature in individuals affected with EPG5-related conditions. Algorithms developed to predict the effect of sequence changes on RNA splicing suggest that this variant may disrupt the consensus splice site. For these reasons, this variant has been classified as Pathogenic.

Literature cited by the submitters: PubMed 23222957; PubMed 23674064.

NM_020964.3(EPG5):c.3132_3133dup (p.Leu1045fs)

Gene: EPG5 (ectopic P-granules 5 autophagy tethering factor; minus strand). Cytogenetic location: 18q21.1.
Variant type: Duplication.
Coding change: c.3132_3133dup on transcript NM_020964.3 (MANE Select); coding-DNA positions 3132 to 3133, 2 bases duplicated (AT; older notation c.3132_3133dupAT).
Protein change: p.Leu1045fs; shifts the reading frame from leucine 1045.
Molecular consequence: frameshift variant.
Genome position (GRCh38, 1-based): chr18:45,917,785-45,917,786, AT duplicated on the plus strand (AT on the coding strand, the reverse complement: EPG5 is on the minus strand); duplicating any 2 consecutive bases within chr18:45,917,785-45,917,787 gives the same sequence; the c. name uses the placement nearest the transcript's 3' end. VCF-style (leftmost placement, unchanged base first): chr18-45917784-A-AAT. GRCh37 (hg19) VCF-style: chr18-43497749-A-AAT.
Other names: c.3132_3133dup, p.Leu1045fs (NM_001410858.1, NM_001410859.1); short protein forms L1045fs.
Identifiers: ClinVar variation 4713819 (VCV004713819.1).
Genomic context (GRCh38, chr18:45,917,784, plus strand): 5'-AGAATCTTATCCAGGACATGAACCACTGTTCTCAAATGTCTTGACTGGACCAGAATTCCC[A>AAT]ATAGTGGGATGCCTTCTGCACAGAACTTCTCAATGCTATGGAAAAAGAGAAAGGCACTGA-3'